The following is an entry in ClinVar:

ClinVar aggregate classification (germline): Uncertain significance (1 of 4 stars; one submission).

Submission:

Labcorp Genetics (formerly Invitae), Labcorp
Classification: Uncertain significance. Last evaluated: 2024-03-14. Review status: criteria provided, single submitter. Criteria: Invitae Variant Classification Sherloc (09022015). Collection method: clinical testing. Allele origin: germline.
Comment: This sequence change replaces proline, which is neutral and non-polar, with serine, which is neutral and polar, at codon 92 of the PTHLH protein (p.Pro92Ser). This variant is present in population databases (rs779315594, gnomAD 0.002%). This variant has not been reported in the literature in individuals affected with PTHLH-related conditions. Algorithms developed to predict the effect of missense changes on protein structure and function output the following: SIFT: "Not Available"; PolyPhen-2: "Benign"; Align-GVGD: "Not Available". The serine amino acid residue is found in multiple mammalian species, which suggests that this missense change does not adversely affect protein function. In summary, the available evidence is currently insufficient to determine the role of this variant in disease. Therefore, it has been classified as a Variant of Uncertain Significance.

NM_198965.2(PTHLH):c.274C>T (p.Pro92Ser)

Gene: PTHLH (parathyroid hormone like hormone; minus strand). Cytogenetic location: 12p11.22.
Variant type: single nucleotide variant.
Coding change: c.274C>T on transcript NM_198965.2 (MANE Select); coding-DNA position 274, C replaced by T.
Protein change: p.Pro92Ser; replaces proline 92 with serine.
Molecular consequence: missense variant.
Genome position (GRCh38, 1-based): chr12:27,963,598, G>A on the plus strand (C>T on the coding strand, the complement: PTHLH is on the minus strand). VCF-style: chr12-27963598-G-A. GRCh37 (hg19) VCF-style: chr12-28116531-G-A.
Other names: c.274C>T, p.Pro92Ser (NM_002820.3, NM_198964.2, NM_198966.2); short protein forms P92S.
Identifiers: ClinVar variation 3615792 (VCV003615792.2).
Genomic context (GRCh38, chr12:27,963,598, plus strand): 5'-CCACCTTGTTAGTTTCCTGAGTTAGGTATCTGCCCTCATCATCAGACCCAAATCGGACGG[G>A]GTGGTTCTTTGTGTTGGGAGAGGGCTTGGAGTTAGGGGACACCTCCGAGGTAGCTCTGAT-3'
Protein context (NP_945316.1, residues 82-102): SKPSPNTKNH[Pro92Ser]VRFGSDDEGR